The following is an entry in ClinVar:

ClinVar aggregate classification (germline): Uncertain significance (1 of 4 stars; one submission).

Submission:

Labcorp Genetics (formerly Invitae), Labcorp
Classification: Uncertain significance. Last evaluated: 2025-11-04. Review status: criteria provided, single submitter. Criteria: Invitae Variant Classification Sherloc (09022015). Collection method: clinical testing. Allele origin: germline.
Comment: This sequence change replaces phenylalanine, which is neutral and non-polar, with serine, which is neutral and polar, at codon 157 of the LZTR1 protein (p.Phe157Ser). This variant is not present in population databases (gnomAD no frequency). This variant has not been reported in the literature in individuals affected with LZTR1-related conditions. Invitae Evidence Modeling of protein sequence and biophysical properties (such as structural, functional, and spatial information, amino acid conservation, physicochemical variation, residue mobility, and thermodynamic stability) indicates that this missense variant is not expected to disrupt LZTR1 protein function with a negative predictive value of 80%. In summary, the available evidence is currently insufficient to determine the role of this variant in disease. Therefore, it has been classified as a Variant of Uncertain Significance.

NM_006767.4(LZTR1):c.470T>C (p.Phe157Ser)

Gene: LZTR1 (leucine zipper like post translational regulator 1; plus strand). Cytogenetic location: 22q11.21.
Variant type: single nucleotide variant.
Coding change: c.470T>C on transcript NM_006767.4 (MANE Select); coding-DNA position 470, T replaced by C.
Protein change: p.Phe157Ser; replaces phenylalanine 157 with serine.
Molecular consequence: missense variant.
Genome position (GRCh38, 1-based): chr22:20,988,079, T>C. VCF-style: chr22-20988079-T-C. GRCh37 (hg19) VCF-style: chr22-21342368-T-C.
Other names: short protein forms F157S.
Identifiers: ClinVar variation 4740903 (VCV004740903.1).
Genomic context (GRCh38, chr22:20,988,079, plus strand): 5'-CTGGGGACATTTATTCCAATTCTAACTTGAAGAATAAAAACGACCTCTTTGAATACAAGT[T>C]TGCAACTGGCCAGTGGACGGAGTGGAAAATTGAAGGACGGTGAGAAACTTTGCAGAAACA-3'
Protein context (NP_006758.2, residues 147-167): KNKNDLFEYK[Phe157Ser]ATGQWTEWKI